The following is an entry in ClinVar:

NM_001030.6(RPS27):c.115+5G>C

Genes: RPS27 (ribosomal protein S27; plus strand), LOC126805872 (BRD4-independent group 4 enhancer GRCh37_chr1:153962963-153964162; plus strand). Cytogenetic location: 1q21.3.
Variant type: single nucleotide variant.
Coding change: c.115+5G>C on transcript NM_001030.6 (MANE Select); 5 bases into the intron after coding-DNA position 115, G replaced by C.
Molecular consequence: intron variant.
Genome position (GRCh38, 1-based): chr1:153,991,228, G>C. VCF-style: chr1-153991228-G-C. GRCh37 (hg19) VCF-style: chr1-153963704-G-C.
Other names: c.19+5G>C (NM_001349947.2, NM_001349946.2).
Identifiers: ClinVar variation 4759797 (VCV004759797.1).

ClinVar aggregate classification (germline): Uncertain significance (1 of 4 stars; one submission).

Submission:

Labcorp Genetics (formerly Invitae), Labcorp
Classification: Uncertain significance. Last evaluated: 2026-01-22. Review status: criteria provided, single submitter. Criteria: Invitae Variant Classification Sherloc (09022015). Collection method: clinical testing. Allele origin: germline.
Comment: This sequence change falls in intron 2 of the RPS27 gene. It does not directly change the encoded amino acid sequence of the RPS27 protein. It affects a nucleotide within the consensus splice site. This variant is present in population databases (rs752042813, gnomAD 0.02%). This variant has not been reported in the literature in individuals affected with RPS27-related conditions. Variants that disrupt the consensus splice site are a relatively common cause of aberrant splicing (PMID: 17576681, 9536098). Algorithms developed to predict the effect of sequence changes on RNA splicing suggest that this variant is not likely to affect RNA splicing. In summary, the available evidence is currently insufficient to determine the role of this variant in disease. Therefore, it has been classified as a Variant of Uncertain Significance.

Literature cited by the submitters: PubMed 17576681; PubMed 9536098.